The following is an entry in ClinVar:

NM_030957.4(ADAMTS10):c.1285A>G (p.Asn429Asp)

Gene: ADAMTS10 (ADAM metallopeptidase with thrombospondin type 1 motif 10; minus strand). Cytogenetic location: 19p13.2.
Variant type: single nucleotide variant.
Coding change: c.1285A>G on transcript NM_030957.4 (MANE Select); coding-DNA position 1285, A replaced by G.
Protein change: p.Asn429Asp; replaces asparagine 429 with aspartic acid.
Molecular consequence: missense variant.
Genome position (GRCh38, 1-based): chr19:8,596,125, T>C on the plus strand (A>G on the coding strand, the complement: ADAMTS10 is on the minus strand). VCF-style: chr19-8596125-T-C. GRCh37 (hg19) VCF-style: chr19-8661009-T-C.
Other names: c.1285A>G (NM_030957.3); short protein forms N429D.
Identifiers: ClinVar variation 893640 (VCV000893640.6), dbSNP rs375444463, ClinGen allele CA9160560.

ClinVar aggregate classification (germline): Uncertain significance. Review status: criteria provided, multiple submitters, no conflicts (2 of 4 stars). 3 submissions from 3 submitters: Uncertain significance (3). Last evaluated 2026-04-13.

Conditions:
Weill-Marchesani syndrome. Also called: WM Syndrome; Mesodermal dysmorphodystrophy congenital. Identifiers: Orphanet 3449, MedGen C0265313, MONDO:0018096.
ADAMTS10-related disorder. Also called: ADAMTS10-related condition.

Allele frequency attached by ClinVar (database versions not stated): gnomAD 0.00002 and 0.00003; gnomAD exomes 0.00002 and 0.00006; TOPMed 0.00005; ExAC 0.00008; ESP Exome Variant Server 0.00008.
gnomAD v4.1: 34 of 1,614,192 alleles (0.0021%); highest among the groups gnomAD compares: Non-Finnish European, 0.001%; no homozygotes.

Submissions (3):

PreventionGenetics, part of Exact Sciences
Classification: Uncertain significance for ADAMTS10-related condition. Last evaluated: 2026-04-13. Review status: criteria provided, single submitter. Criteria: ACMG Guidelines, 2015. Collection method: clinical testing. Allele origin: germline.
Comment: The ADAMTS10 c.1285A>G variant is predicted to result in the amino acid substitution p.Asn429Asp. To our knowledge, this variant has not been reported in the literature. This variant is reported in 0.068% of alleles in individuals of Ashkenazi Jewish descent in gnomAD, which may be too frequent to be a primary cause of disease. Although we suspect that this variant may be benign, at this time, the clinical significance of this variant is uncertain due to the absence of conclusive functional and genetic evidence.

Blueprint Genetics
Classification: Uncertain significance. Last evaluated: 2024-03-26. Review status: criteria provided, single submitter. Criteria: ACMG Guidelines, 2015. Collection method: clinical testing. Allele origin: germline.

Illumina Laboratory Services, Illumina
Classification: Uncertain significance for Weill-Marchesani syndrome. Last evaluated: 2018-01-13. Review status: criteria provided, single submitter. Criteria: ICSL Variant Classification Criteria 13 December 2019. Collection method: clinical testing. Allele origin: germline.